The following is an entry in ClinVar:

ClinVar aggregate classification (germline): Uncertain significance (1 of 4 stars; one submission).

Conditions:
Autosomal dominant nocturnal frontal lobe epilepsy 5. Also called: CILIARY DYSKINESIA, PRIMARY, 28, WITH SITUS INVERSUS; CILIARY DYSKINESIA, PRIMARY, 28, WITHOUT SITUS INVERSUS; KCNT1-Related Epilepsy; Epilepsy, nocturnal frontal lobe, 5. Identifiers: Orphanet 98784, MedGen C3554306, MONDO:0014002, OMIM 615005.
Developmental and epileptic encephalopathy, 14 (DEE14). Also called: Early infantile epileptic encephalopathy 14. Identifiers: Orphanet 293181, MedGen C3554195, MONDO:0013989, OMIM 614959.

Submission:

Labcorp Genetics (formerly Invitae), Labcorp
Classification: Uncertain significance for Autosomal dominant nocturnal frontal lobe epilepsy 5; Developmental and epileptic encephalopathy, 14. Last evaluated: 2022-05-19. Review status: criteria provided, single submitter. Criteria: Invitae Variant Classification Sherloc (09022015). Collection method: clinical testing. Allele origin: germline.
Comment: This sequence change replaces leucine, which is neutral and non-polar, with phenylalanine, which is neutral and non-polar, at codon 197 of the KCNT1 protein (p.Leu197Phe). This variant is not present in population databases (gnomAD no frequency). This variant has not been reported in the literature in individuals affected with KCNT1-related conditions. Advanced modeling of protein sequence and biophysical properties (such as structural, functional, and spatial information, amino acid conservation, physicochemical variation, residue mobility, and thermodynamic stability) performed at Invitae indicates that this missense variant is expected to disrupt KCNT1 protein function. In summary, the available evidence is currently insufficient to determine the role of this variant in disease. Therefore, it has been classified as a Variant of Uncertain Significance.

NM_020822.3(KCNT1):c.589C>T (p.Leu197Phe)

Gene: KCNT1 (potassium sodium-activated channel subfamily T member 1; plus strand). Cytogenetic location: 9q34.3.
Variant type: single nucleotide variant.
Coding change: c.589C>T on transcript NM_020822.3 (MANE Select); coding-DNA position 589, C replaced by T.
Protein change: p.Leu197Phe; replaces leucine 197 with phenylalanine.
Molecular consequence: missense variant.
Genome position (GRCh38, 1-based): chr9:135,756,921, C>T. VCF-style: chr9-135756921-C-T. GRCh37 (hg19) VCF-style: chr9-138648767-C-T.
Other names: c.445C>T, p.Leu149Phe (NM_001272003.2); short protein forms L149F, L197F.
Identifiers: ClinVar variation 1992643 (VCV001992643.4), dbSNP rs2490828804, ClinGen allele CA375497150.